The following is an entry in ClinVar:

NM_000393.5(COL5A2):c.3634G>C (p.Gly1212Arg)

Gene: COL5A2 (collagen type V alpha 2 chain; minus strand). Cytogenetic location: 2q32.2.
Variant type: single nucleotide variant.
Coding change: c.3634G>C on transcript NM_000393.5 (MANE Select); coding-DNA position 3634, G replaced by C.
Protein change: p.Gly1212Arg; replaces glycine 1212 with arginine.
Molecular consequence: missense variant.
Genome position (GRCh38, 1-based): chr2:189,039,563, C>G on the plus strand (G>C on the coding strand, the complement: COL5A2 is on the minus strand). VCF-style: chr2-189039563-C-G. GRCh37 (hg19) VCF-style: chr2-189904289-C-G.
Other names: short protein forms G1212R.
Identifiers: ClinVar variation 2826359 (VCV002826359.3), dbSNP rs1486324773, ClinGen allele CA349858193.

ClinVar aggregate classification (germline): Uncertain significance (1 of 4 stars; one submission).

Conditions:
Ehlers-Danlos syndrome, classic type, 1 (EDSCL1). Also called: EHLERS-DANLOS SYNDROME, GRAVIS TYPE; EHLERS-DANLOS SYNDROME, SEVERE CLASSIC TYPE; Ehlers-Danlos syndrome, type 1; Ehlers-Danlos Syndrome, Classic Type, COL5A1-Related; EDS I. Identifiers: MedGen C0268335, MONDO:0019567, OMIM 130000.

Submission:

Labcorp Genetics (formerly Invitae), Labcorp
Classification: Uncertain significance for Ehlers-Danlos syndrome, classic type, 1. Last evaluated: 2023-02-03. Review status: criteria provided, single submitter. Criteria: Invitae Variant Classification Sherloc (09022015). Collection method: clinical testing. Allele origin: germline.
Comment: In summary, the available evidence is currently insufficient to determine the role of this variant in disease. Therefore, it has been classified as a Variant of Uncertain Significance. Algorithms developed to predict the effect of missense changes on protein structure and function are either unavailable or do not agree on the potential impact of this missense change (SIFT: "Deleterious"; PolyPhen-2: "Not Available"; Align-GVGD: "Class C15"). This variant has not been reported in the literature in individuals affected with COL5A2-related conditions. This variant is not present in population databases (gnomAD no frequency). This sequence change replaces glycine, which is neutral and non-polar, with arginine, which is basic and polar, at codon 1212 of the COL5A2 protein (p.Gly1212Arg).